The following is an entry in ClinVar:

NM_002336.3(LRP6):c.4265C>G (p.Pro1422Arg)

Gene: LRP6 (LDL receptor related protein 6; minus strand). Cytogenetic location: 12p13.2.
Variant type: single nucleotide variant.
Coding change: c.4265C>G on transcript NM_002336.3 (MANE Select); coding-DNA position 4265, C replaced by G.
Protein change: p.Pro1422Arg; replaces proline 1422 with arginine.
Molecular consequence: missense variant.
Genome position (GRCh38, 1-based): chr12:12,126,738, G>C on the plus strand (C>G on the coding strand, the complement: LRP6 is on the minus strand). VCF-style: chr12-12126738-G-C. GRCh37 (hg19) VCF-style: chr12-12279672-G-C.
Other names: short protein forms P1422R.
Identifiers: ClinVar variation 1518933 (VCV001518933.6), dbSNP rs2136847191, ClinGen allele CA383948855.

ClinVar aggregate classification (germline): Uncertain significance (1 of 4 stars; one submission).

Allele frequency attached by ClinVar (database versions not stated): gnomAD exomes below 0.00001.
gnomAD v4.1: 5 of 1,614,116 alleles (0.00031%); highest among the groups gnomAD compares: Non-Finnish European, 0.00042%; no homozygotes.

Submission:

Labcorp Genetics (formerly Invitae), Labcorp
Classification: Uncertain significance. Last evaluated: 2021-09-14. Review status: criteria provided, single submitter. Criteria: Invitae Variant Classification Sherloc (09022015). Collection method: clinical testing. Allele origin: germline.
Comment: In summary, the available evidence is currently insufficient to determine the role of this variant in disease. Therefore, it has been classified as a Variant of Uncertain Significance. This sequence change replaces proline with arginine at codon 1422 of the LRP6 protein (p.Pro1422Arg). The proline residue is highly conserved and there is a moderate physicochemical difference between proline and arginine. This variant is not present in population databases (ExAC no frequency). This variant has not been reported in the literature in individuals affected with LRP6-related conditions. Algorithms developed to predict the effect of missense changes on protein structure and function (SIFT, PolyPhen-2, Align-GVGD) all suggest that this variant is likely to be disruptive.